The following is an entry in ClinVar:

NM_005055.5(RAPSN):c.1166+278A>G

Gene: RAPSN (receptor associated protein of the synapse; minus strand). Cytogenetic location: 11p11.2.
Variant type: single nucleotide variant.
Coding change: c.1166+278A>G on transcript NM_005055.5 (MANE Select); 278 bases into the intron after coding-DNA position 1166, A replaced by G.
Molecular consequence: intron variant.
Genome position (GRCh38, 1-based): chr11:47,438,454, T>C on the plus strand (A>G on the coding strand, the complement: RAPSN is on the minus strand). VCF-style: chr11-47438454-T-C. GRCh37 (hg19) VCF-style: chr11-47460005-T-C.
Other names: c.989+278A>G (NM_032645.5).
Identifiers: ClinVar variation 684034 (VCV000684034.2), dbSNP rs12282783, ClinGen allele CA13483985.
Genomic context (GRCh38, chr11:47,438,454, plus strand): 5'-CTCACTGCAGCCTCTGCCTCCCGGGTTCAAGTGATTCTCCTGCCTCAGCCTCCCGAGTAG[T>C]TGGGATTACAGGCTCCCACCACCATGCCTGGGTAATTTTTGTATTTTTAGTAGAGACGGG-3'

ClinVar aggregate classification (germline): Benign. Review status: criteria provided, multiple submitters, no conflicts (2 of 4 stars). 2 submissions from 2 submitters: Benign (2). Last evaluated 2018-06-16.

Allele frequency attached by ClinVar (database versions not stated): gnomAD 0.61602 and 0.62251; TOPMed 0.61701; 1000 Genomes Project 30x 0.61883; 1000 Genomes Project 0.62540; gnomAD exomes 0.69937.
gnomAD v4.1: 386,772 of 569,214 alleles (68%); highest among the groups gnomAD compares: South Asian, 77%; 134,620 homozygotes.

Submissions (2):

GeneDx
Classification: Benign. Last evaluated: 2018-06-16. Review status: criteria provided, single submitter. Criteria: GeneDx Variant Classification (06012015). Collection method: clinical testing. Allele origin: germline. Affected: yes.
Comment: This variant is considered likely benign or benign based on one or more of the following criteria: it is a conservative change, it occurs at a poorly conserved position in the protein, it is predicted to be benign by multiple in silico algorithms, and/or has population frequency not consistent with disease.

Breakthrough Genomics
Classification: Benign. Review status: criteria provided, single submitter. Criteria: ACMG Guidelines, 2015. Collection method: not provided. Allele origin: germline. Inheritance: Autosomal recessive inheritance. Affected: yes.